The following is an entry in ClinVar:

ClinVar aggregate classification (germline): Pathogenic. Review status: criteria provided, multiple submitters, no conflicts (2 of 4 stars). 6 submissions from 6 submitters: Pathogenic (4). 2 of the submissions do not count toward it. Last evaluated 2026-02-16.

Conditions:
Familial thoracic aortic aneurysm and aortic dissection (TAAD). Also called: Thoracic aortic aneurysms and dissections. Identifiers: Orphanet 91387, MedGen C4707243, MONDO:0019625.
Marfan syndrome (MFS). Also called: FBN1-Related Marfan Syndrome; Marfan syndrome type 1; Marfan's syndrome; Marfan syndrome, classic; MARFAN SYNDROME, TYPE I. Identifiers: Orphanet 284963, Orphanet 558, MedGen C0024796, MONDO:0007947, OMIM 154700.
FBN1-related disorder. Also called: FBN1-related disorders.

Submissions (6):

PreventionGenetics, part of Exact Sciences
Classification: Pathogenic for FBN1-related condition. Last evaluated: 2026-02-16. Review status: criteria provided, single submitter. Criteria: ACMG Guidelines, 2015. Collection method: clinical testing. Allele origin: germline.
Comment: The FBN1 c.3725G>A variant is predicted to result in the amino acid substitution p.Cys1242Tyr. This variant has been reported in multiple individuals with Marfan syndrome, including one de novo case (described as C344Y, Kainulainen et al. 1994. PubMed ID: 8136837; Table S1, Li et al. 2019. PubMed ID: 31098894; Table S1A, Meester et al. 2022. PubMed ID: 35058154). Functional studies showed that this variant impacts protein function (Granata et al. 2017. PubMed ID: 27893734). This variant has not been reported in a large population database (gnomAD), indicating this variant is rare. Missense variants in FBN1 that create or destroy a cysteine residue are documented to cause Marfan syndrome (GeneReviews, Dietz et al. 2001. [Updated 2022] PubMed ID: 20301510). This variant is interpreted as pathogenic.

Labcorp Genetics (formerly Invitae), Labcorp
Classification: Pathogenic for Marfan syndrome; Familial thoracic aortic aneurysm and aortic dissection. Last evaluated: 2025-07-06. Review status: criteria provided, single submitter. Criteria: Invitae Variant Classification Sherloc (09022015). Collection method: clinical testing. Allele origin: germline.
Comment: This sequence change replaces cysteine, which is neutral and slightly polar, with tyrosine, which is neutral and polar, at codon 1242 of the FBN1 protein (p.Cys1242Tyr). This variant is not present in population databases (gnomAD no frequency). This missense change has been observed in individual(s) with Marfan syndrome (PMID: 8136837, 9401003, 10486319, 19002209, 27906200). In at least one individual the variant was observed to be de novo. This variant is also known as C344Y. ClinVar contains an entry for this variant (Variation ID: 16429). Invitae Evidence Modeling of protein sequence and biophysical properties (such as structural, functional, and spatial information, amino acid conservation, physicochemical variation, residue mobility, and thermodynamic stability) indicates that this missense variant is expected to disrupt FBN1 protein function with a positive predictive value of 95%. Experimental studies have shown that this missense change affects FBN1 function (PMID: 27893734). This variant affects a cysteine residue in the EGF-like, TGFBP or hybrid motif domains of FBN1. Cysteine residues are believed to be involved in intramolecular disulfide bridges and have been shown to be important for FBN1 protein structure (PMID: 16905551, 19349279). In addition, missense substitutions affecting cysteine residues within these domains are significantly overrepresented among patients with Marfan syndrome (PMID: 16571647, 17701892). For these reasons, this variant has been classified as Pathogenic.

Centre of Medical Genetics, University of Antwerp
Classification: Pathogenic for Marfan syndrome. Last evaluated: 2021-03-01. Review status: criteria provided, single submitter. Criteria: Submitter's publication. Collection method: research. Allele origin: unknown. Affected: yes.
Comment: PM2, PVS2, PP4

Institute of Medical Genetics and Genomics, Sir Ganga Ram Hospital
Classification: Pathogenic for Marfan syndrome. Review status: criteria provided, single submitter. Criteria: ACMG Guidelines, 2015. Collection method: clinical testing. Allele origin: de novo. Inheritance: Autosomal dominant inheritance. Affected: yes. Observed: 1 heterozygote.
Comment: This variant is present in a mutation hotspot region where 4 pathogenic variants (PM1_moderate) have been reported and 1444 missense pathogenic variants in FBN1 gene have been reported (PP2_supporting). This variant is not found in gnomAD (Aggregated) (PM2_Moderate). This has been previously reported PMID: 19002209 (PP5_very strong).

Center for Medical Genetics Ghent, University of Ghent
Classification: Likely pathogenic for Marfan syndrome. Last evaluated: 2017-11-07. Review status: no assertion criteria provided. Collection method: clinical testing. Allele origin: germline. Affected: yes. Not counted in ClinVar's aggregate classification.

OMIM
Classification: Pathogenic for MARFAN SYNDROME. Last evaluated: 1994-01-01. Review status: no assertion criteria provided. Collection method: literature only. Allele origin: germline. Not counted in ClinVar's aggregate classification.

Literature cited by the submitters: PubMed 8136837 (cited by Labcorp Genetics (formerly Invitae), Labcorp and OMIM); PubMed 9401003 (cited by Labcorp Genetics (formerly Invitae), Labcorp); PubMed 10486319 (cited by Labcorp Genetics (formerly Invitae), Labcorp); PubMed 19002209 (cited by Labcorp Genetics (formerly Invitae), Labcorp and Institute of Medical Genetics and Genomics, Sir Ganga Ram Hospital); PubMed 27906200 (cited by Labcorp Genetics (formerly Invitae), Labcorp); PubMed 27893734 (cited by Labcorp Genetics (formerly Invitae), Labcorp); PubMed 16905551 (cited by Labcorp Genetics (formerly Invitae), Labcorp); PubMed 19349279 (cited by Labcorp Genetics (formerly Invitae), Labcorp); PubMed 16571647 (cited by Labcorp Genetics (formerly Invitae), Labcorp); PubMed 17701892 (cited by Labcorp Genetics (formerly Invitae), Labcorp).

NM_000138.5(FBN1):c.3725G>A (p.Cys1242Tyr)

Gene: FBN1 (fibrillin 1; minus strand). Cytogenetic location: 15q21.1.
Variant type: single nucleotide variant.
Coding change: c.3725G>A on transcript NM_000138.5 (MANE Select); coding-DNA position 3725, G replaced by A.
Protein change: p.Cys1242Tyr; replaces cysteine 1242 with tyrosine.
Molecular consequence: missense variant.
Genome position (GRCh38, 1-based): chr15:48,483,931, C>T on the plus strand (G>A on the coding strand, the complement: FBN1 is on the minus strand). VCF-style: chr15-48483931-C-T. GRCh37 (hg19) VCF-style: chr15-48776128-C-T.
Other names: short protein forms C1242Y.
Identifiers: ClinVar variation 16429 (VCV000016429.31), dbSNP rs137854471, ClinGen allele CA014498.